The following is an entry in ClinVar:

NM_003072.5(SMARCA4):c.4635+5G>A

Gene: SMARCA4 (SWI/SNF related BAF chromatin remodeling complex subunit ATPase 4; plus strand). Cytogenetic location: 19p13.2.
Variant type: single nucleotide variant.
Coding change: c.4635+5G>A on transcript NM_003072.5 (MANE Select); 5 bases into the intron after coding-DNA position 4635, G replaced by A.
Molecular consequence: intron variant.
Genome position (GRCh38, 1-based): chr19:11,058,894, G>A. VCF-style: chr19-11058894-G-A. GRCh37 (hg19) VCF-style: chr19-11169570-G-A.
Other names: c.4635+5G>A (NM_001128844.3); c.4731+5G>A (NM_001128849.3, NM_001387283.1, NM_001128849.1); c.4536+5G>A (NM_001128847.4, NM_001374457.1); c.4632+5G>A (NM_001411150.1); c.4545+5G>A (NM_001128845.2); c.4542+5G>A (NM_001128846.2); c.4533+5G>A (NM_001128848.2).
Identifiers: ClinVar variation 2714209 (VCV002714209.4), dbSNP rs2147099350, ClinGen allele CA2697556277.

ClinVar aggregate classification (germline): Uncertain significance. Review status: criteria provided, multiple submitters, no conflicts (2 of 4 stars). 2 submissions from 2 submitters: Uncertain significance (2). Last evaluated 2025-06-26.

Conditions:
Hereditary cancer-predisposing syndrome. Also called: Neoplastic Syndromes, Hereditary; Tumor predisposition; Hereditary Cancer Syndrome; Hereditary neoplastic syndrome. Identifiers: Orphanet 140162, MedGen C0027672, MeSH D009386, MONDO:0015356.
Rhabdoid tumor predisposition syndrome 2 (RTPS2). Identifiers: Orphanet 231108, Orphanet 69077, MedGen C2750074, MONDO:0013224, OMIM 613325.

Submissions (2):

Ambry Genetics
Classification: Uncertain significance for Hereditary cancer-predisposing syndrome. Last evaluated: 2025-06-26. Review status: criteria provided, single submitter. Criteria: Ambry Variant Classification Scheme 2023. Collection method: clinical testing. Allele origin: germline.
Comment: The c.4731+5G>A intronic variant results from a G to A substitution 5 nucleotides after coding exon 32 in the SMARCA4 gene. This nucleotide position is well conserved in available vertebrate species. In silico splice site analysis predicts that this alteration may result in the creation or strengthening of a novel splice donor site. RNA studies have demonstrated that this alteration results in a splice defect; the clinical impact of this abnormal splicing is unknown at this time (Ambry internal data). Based on the available evidence, the clinical significance of this variant remains unclear.

Labcorp Genetics (formerly Invitae), Labcorp
Classification: Uncertain significance for Rhabdoid tumor predisposition syndrome 2. Last evaluated: 2024-01-31. Review status: criteria provided, single submitter. Criteria: Invitae Variant Classification Sherloc (09022015). Collection method: clinical testing. Allele origin: germline.
Comment: This sequence change falls in intron 33 of the SMARCA4 gene. It does not directly change the encoded amino acid sequence of the SMARCA4 protein. RNA analysis indicates that this variant induces altered splicing and likely results in a shortened protein product. This variant is not present in population databases (gnomAD no frequency). This variant has not been reported in the literature in individuals affected with SMARCA4-related conditions. Variants that disrupt the consensus splice site are a relatively common cause of aberrant splicing (PMID: 17576681, 9536098). Studies have shown that this variant results in skipping of exon 33, but is expected to preserve the integrity of the reading-frame (Invitae). In summary, the available evidence is currently insufficient to determine the role of this variant in disease. Therefore, it has been classified as a Variant of Uncertain Significance.

Literature cited by the submitters: PubMed 17576681 (cited by Labcorp Genetics (formerly Invitae), Labcorp); PubMed 9536098 (cited by Labcorp Genetics (formerly Invitae), Labcorp).